The following is an entry in ClinVar:

NM_016734.3(PAX5):c.929C>T (p.Thr310Met)

Gene: PAX5 (paired box 5; minus strand). Cytogenetic location: 9p13.2.
Variant type: single nucleotide variant.
Coding change: c.929C>T on transcript NM_016734.3 (MANE Select); coding-DNA position 929, C replaced by T.
Protein change: p.Thr310Met; replaces threonine 310 with methionine.
Molecular consequence: missense variant. On other transcripts: non-coding transcript variant (2), intron variant (6).
Genome position (GRCh38, 1-based): chr9:36,882,087, G>A on the plus strand (C>T on the coding strand, the complement: PAX5 is on the minus strand). VCF-style: chr9-36882087-G-A. GRCh37 (hg19) VCF-style: chr9-36882084-G-A.
Other names: c.929C>T, p.Thr310Met (NM_001280548.2); c.800C>T, p.Thr267Met (NM_001280553.2, NM_001280554.2); c.605C>T, p.Thr202Met (NM_001280556.2); c.586+41268C>T (NM_001280551.2); c.713-35158C>T (NM_001280555.2); c.781-41451C>T (NM_001280550.2); c.781-35158C>T (NM_001280549.2); c.910+41268C>T (NM_001280552.2); and 1 more; short protein forms T202M, T267M, T310M.
Identifiers: ClinVar variation 4861620 (VCV004861620.1).

ClinVar aggregate classification (germline): Uncertain significance (1 of 4 stars; one submission).

Conditions:
Inborn genetic diseases. Identifiers: MedGen C0950123, MeSH D030342.

gnomAD v4.1: 4 of 1,598,960 alleles (0.00025%); highest among the groups gnomAD compares: African/African-American, 0.0013%; no homozygotes.

Submission:

Ambry Genetics
Classification: Uncertain significance for Inborn genetic diseases. Last evaluated: 2026-05-31. Review status: criteria provided, single submitter. Criteria: Ambry Variant Classification Scheme 2023. Collection method: clinical testing. Allele origin: germline.
Comment: The p.T310M variant (also known as c.929C>T), located in coding exon 8 of the PAX5 gene, results from a C to T substitution at nucleotide position 929. The threonine at codon 310 is replaced by methionine, an amino acid with similar properties. This amino acid position is conserved. In addition, the in silico prediction for this alteration is inconclusive. Based on the available evidence, the clinical significance of this variant remains unclear.